The following is an entry in ClinVar:

ClinVar aggregate classification (germline): Uncertain significance (1 of 4 stars; one submission).

gnomAD v4.1: 9 of 1,613,580 alleles (0.00056%); highest among the groups gnomAD compares: Middle Eastern, 0.033%; no homozygotes.

Submission:

Ambry Genetics
Classification: Uncertain significance. Last evaluated: 2026-09-02. Review status: criteria provided, single submitter. Criteria: Ambry Variant Classification Scheme 2023. Collection method: clinical testing. Allele origin: germline.
Comment: The c.419T>A (p.L140Q) alteration is located in exon 1 (coding exon 1) of the GPR158 gene. This alteration results from a T to A substitution at nucleotide position 419, causing the leucine (L) at amino acid position 140 to be replaced by a glutamine (Q). Based on data from gnomAD, the A allele has an overall frequency of <0.001% (1/248398) total alleles studied. The highest observed frequency was 0.001% (1/111162) of European (non-Finnish) alleles. Based on insufficient or conflicting evidence, the clinical significance of this alteration remains unclear.

NM_020752.3(GPR158):c.419T>A (p.Leu140Gln)

Genes: GPR158 (G protein-coupled receptor 158; plus strand), GPR158-AS1 (GPR158 antisense RNA 1; minus strand). Cytogenetic location: 10p12.1.
Variant type: single nucleotide variant.
Coding change: c.419T>A on transcript NM_020752.3 (MANE Select); coding-DNA position 419, T replaced by A.
Protein change: p.Leu140Gln; replaces leucine 140 with glutamine.
Molecular consequence: missense variant. On other transcripts: non-coding transcript variant (1).
Genome position (GRCh38, 1-based): chr10:25,175,839, T>A. VCF-style: chr10-25175839-T-A. GRCh37 (hg19) VCF-style: chr10-25464768-T-A.
Other names: short protein forms L140Q.
Identifiers: ClinVar variation 3521858 (VCV003521858.2).
Genomic context (GRCh38, chr10:25,175,839, plus strand): 5'-CCTCCTTGCACCGGGCGCTGGACACACTGACACACGCCACCAACTTCCTCAACGTGATGC[T>A]GCAGAGCAATAAGTCGCGGGAGCAGAACTTGCAGGACGACCTGGATTGGTACCAGGCGCT-3'
Protein context (NP_065803.2, residues 130-150): THATNFLNVM[Leu140Gln]QSNKSREQNL